The following is an entry in ClinVar:

ClinVar aggregate classification (germline): Uncertain significance (1 of 4 stars; one submission).

Submission:

Labcorp Genetics (formerly Invitae), Labcorp
Classification: Uncertain significance. Last evaluated: 2022-04-12. Review status: criteria provided, single submitter. Criteria: Invitae Variant Classification Sherloc (09022015). Collection method: clinical testing. Allele origin: germline.
Comment: This variant is not present in population databases (gnomAD no frequency). In summary, the available evidence is currently insufficient to determine the role of this variant in disease. Therefore, it has been classified as a Variant of Uncertain Significance. Experimental studies and prediction algorithms are not available or were not evaluated, and the functional significance of this variant is currently unknown. This variant has not been reported in the literature in individuals affected with SMARCD2-related conditions. This sequence change results in a frameshift in the SMARCD2 gene (p.Arg493Thrfs*70). While this is not anticipated to result in nonsense mediated decay, it is expected to disrupt the last 39 amino acid(s) of the SMARCD2 protein and extend the protein by 30 additional amino acid residues.

NM_001098426.2(SMARCD2):c.1473_1474del (p.Arg493fs)

Gene: SMARCD2 (SWI/SNF related BAF chromatin remodeling complex subunit D2; minus strand). Cytogenetic location: 17q23.3.
Variant type: Deletion.
Coding change: c.1473_1474del on transcript NM_001098426.2 (MANE Select); coding-DNA positions 1473 to 1474, 2 bases deleted (GG; older notation c.1473_1474delGG).
Protein change: p.Arg493fs; shifts the reading frame from arginine 493.
Molecular consequence: frameshift variant.
Genome position (GRCh38, 1-based): chr17:63,833,137-63,833,138, CC deleted on the plus strand (GG on the coding strand, the reverse complement: SMARCD2 is on the minus strand). VCF-style (leftmost placement, unchanged base first): chr17-63833136-TCC-T. GRCh37 (hg19) VCF-style: chr17-61910496-TCC-T.
Other names: c.1248_1249del, p.Arg418fs (NM_001330439.1); c.1329_1330del, p.Arg445fs (NM_001330440.2); short protein forms R493fs, R445fs, R418fs.
Identifiers: ClinVar variation 2125116 (VCV002125116.4), dbSNP rs2511436553, ClinGen allele CA2580094574.